The following is an entry in ClinVar:

NM_018685.5(ANLN):c.523C>A (p.Pro175Thr)

Gene: ANLN (anillin, actin binding protein; plus strand). Cytogenetic location: 7p14.2.
Variant type: single nucleotide variant.
Coding change: c.523C>A on transcript NM_018685.5 (MANE Select); coding-DNA position 523, C replaced by A.
Protein change: p.Pro175Thr; replaces proline 175 with threonine.
Molecular consequence: missense variant.
Genome position (GRCh38, 1-based): chr7:36,406,216, C>A. VCF-style: chr7-36406216-C-A. GRCh37 (hg19) VCF-style: chr7-36445825-C-A.
Other names: c.523C>A, p.Pro175Thr (NM_001284301.3, NM_001284302.3); short protein forms P175T.
Identifiers: ClinVar variation 1515763 (VCV001515763.8), dbSNP rs1410979033, ClinGen allele CA367206483.
Genomic context (GRCh38, chr7:36,406,216, plus strand): 5'-AACTCTTTTCTGAAAACATTTTCAGATGACATTCCTGAAAGCTCACTCTTCTCACCAATG[C>A]CATCAGAGGAAAAGGCTGCTTCCCCTCCCAGACCTCTGCTTTCAAATGCCTCGGCAACTC-3'
Protein context (NP_061155.2, residues 165-185): IPESSLFSPM[Pro175Thr]SEEKAASPPR

ClinVar aggregate classification (germline): Uncertain significance (1 of 4 stars; one submission).

Submission:

Labcorp Genetics (formerly Invitae), Labcorp
Classification: Uncertain significance. Last evaluated: 2021-03-10. Review status: criteria provided, single submitter. Criteria: Invitae Variant Classification Sherloc (09022015). Collection method: clinical testing. Allele origin: germline.
Comment: This sequence change replaces proline with threonine at codon 175 of the ANLN protein (p.Pro175Thr). The proline residue is weakly conserved and there is a small physicochemical difference between proline and threonine. This variant is not present in population databases (ExAC no frequency). This variant has not been reported in the literature in individuals with ANLN-related conditions. Algorithms developed to predict the effect of missense changes on protein structure and function are either unavailable or do not agree on the potential impact of this missense change (SIFT: "Tolerated"; PolyPhen-2: "Probably Damaging"; Align-GVGD: "Class C0"). In summary, the available evidence is currently insufficient to determine the role of this variant in disease. Therefore, it has been classified as a Variant of Uncertain Significance.